The following is an entry in ClinVar:

NM_153741.2(DPM3):c.41T>C (p.Leu14Pro)

Gene: DPM3 (dolichyl-phosphate mannosyltransferase subunit 3, regulatory; minus strand). Cytogenetic location: 1q22.
Variant type: single nucleotide variant.
Coding change: c.41T>C on transcript NM_153741.2 (MANE Select); coding-DNA position 41, T replaced by C.
Protein change: p.Leu14Pro; replaces leucine 14 with proline.
Molecular consequence: missense variant.
Genome position (GRCh38, 1-based): chr1:155,140,200, A>G on the plus strand (T>C on the coding strand, the complement: DPM3 is on the minus strand). VCF-style: chr1-155140200-A-G. GRCh37 (hg19) VCF-style: chr1-155112676-A-G.
Other names: c.131T>C, p.Leu44Pro (NM_018973.4); short protein forms L44P, L14P.
Identifiers: ClinVar variation 585021 (VCV000585021.14), dbSNP rs778481307, ClinGen allele CA1138443.

ClinVar aggregate classification (germline): Pathogenic. Review status: criteria provided, single submitter (1 of 4 stars). 2 submissions from 2 submitters: Pathogenic (1). 1 of the submissions does not count toward it. Last evaluated 2025-08-29.

Conditions:
DPM3-congenital disorder of glycosylation (MDDGC15). Also called: CDG Io; CDG1(DPM3); DPM3-CDG; MUSCULAR DYSTROPHY-DYSTROGLYCANOPATHY (LIMB-GIRDLE), TYPE C, 15. Identifiers: Orphanet 263494, MedGen C2752007, MONDO:0013049, OMIM 612937.

Allele frequency attached by ClinVar (database versions not stated): ExAC 0.00001; gnomAD 0.00001; TOPMed 0.00001; gnomAD exomes 0.00002.

Submissions (2):

Labcorp Genetics (formerly Invitae), Labcorp
Classification: Pathogenic for DPM3-congenital disorder of glycosylation. Last evaluated: 2025-08-29. Review status: criteria provided, single submitter. Criteria: Invitae Variant Classification Sherloc (09022015). Collection method: clinical testing. Allele origin: germline.
Comment: This sequence change replaces leucine, which is neutral and non-polar, with proline, which is neutral and non-polar, at codon 14 of the DPM3 protein (p.Leu14Pro). This variant is present in population databases (rs778481307, gnomAD 0.004%). This missense change has been observed in individual(s) with DPM3-related congenital disorder of glycosylation (PMID: 28803818, 31266720). In at least one individual the data is consistent with being in trans (on the opposite chromosome) from a pathogenic variant. This variant is also known as p.Leu44Pro. ClinVar contains an entry for this variant (Variation ID: 585021). An algorithm developed to predict the effect of missense changes on protein structure and function (PolyPhen-2) suggests that this variant is likely to be disruptive. For these reasons, this variant has been classified as Pathogenic.

OMIM
Classification: Pathogenic for MUSCULAR DYSTROPHY-DYSTROGLYCANOPATHY (LIMB-GIRDLE), TYPE C, 15. Last evaluated: 2018-10-09. Review status: no assertion criteria provided. Collection method: literature only. Allele origin: germline. Not counted in ClinVar's aggregate classification.

Literature cited by the submitters: PubMed 28803818 (cited by Labcorp Genetics (formerly Invitae), Labcorp); PubMed 31266720 (cited by Labcorp Genetics (formerly Invitae), Labcorp); PubMed 29246662 (cited by OMIM).